The following is an entry in ClinVar:

ClinVar aggregate classification (germline): Likely pathogenic (1 of 4 stars; one submission).

Conditions:
Intellectual disability, X-linked 102 (MRXSSB). Also called: Intellectual developmental disorder, X-linked syndromic, Snijders Blok type. Identifiers: Orphanet 457260, MedGen C5393299, MONDO:0010497, OMIM 300958.

Submission:

3billion
Classification: Likely pathogenic for Intellectual disability, X-linked 102. Last evaluated: 2024-01-18. Review status: criteria provided, single submitter. Criteria: ACMG Guidelines, 2015. Collection method: clinical testing. Allele origin: germline. Affected: yes.
Comment: The variant is not observed in the gnomAD v2.1.1 dataset. Predicted Consequence/Location: Canonical splice site: predicted to alter splicing and result in a loss or disruption of normal protein function. Multiple pathogenic loss-of-function variants are reported downstream of the variant. Therefore, this variant is classified as Likely pathogenic according to the recommendation of ACMG/AMP guideline.

NM_001356.5(DDX3X):c.443+2T>G

Gene: DDX3X (DEAD-box helicase 3 X-linked; plus strand). Cytogenetic location: Xp11.4.
Variant type: single nucleotide variant.
Coding change: c.443+2T>G on transcript NM_001356.5 (MANE Select); the canonical splice donor site of the intron after coding-DNA position 443, T replaced by G.
Molecular consequence: splice donor variant.
Genome position (GRCh38, 1-based): chrX:41,342,655, T>G. VCF-style: chrX-41342655-T-G. GRCh37 (hg19) VCF-style: chrX-41201908-T-G.
Other names: c.443+2T>G (NM_001193416.3); c.395+2T>G (NM_001193417.3); c.-116+2T>G (NM_001363819.1).
Identifiers: ClinVar variation 3775348 (VCV003775348.1).
Genomic context (GRCh38, chrX:41,342,655, plus strand): 5'-GACAAATCAGATGAAGATGATTGGTCAAAACCACTCCCACCAAGTGAACGCTTGGAACAG[T>G]AAGTTTTTGAAGTGTATGTTACTTGTGATGAAGCCTTACTAGCTAGTATAACAAATGAAC-3'